The following is an entry in ClinVar:

NM_138413.4(HOGA1):c.468+1G>T

Gene: HOGA1 (4-hydroxy-2-oxoglutarate aldolase 1; plus strand). Cytogenetic location: 10q24.2.
Variant type: single nucleotide variant.
Coding change: c.468+1G>T on transcript NM_138413.4 (MANE Select); the canonical splice donor site of the intron after coding-DNA position 468, G replaced by T.
Molecular consequence: splice donor variant. On other transcripts: intron variant (1).
Genome position (GRCh38, 1-based): chr10:97,599,217, G>T. VCF-style: chr10-97599217-G-T. GRCh37 (hg19) VCF-style: chr10-99358974-G-T.
Other names: c.212-2640G>T (NM_001134670.2).
Identifiers: ClinVar variation 4816527 (VCV004816527.1).

ClinVar aggregate classification (germline): Likely pathogenic (1 of 4 stars; one submission).

Conditions:
Primary hyperoxaluria type 3. Also called: PH III. Identifiers: Orphanet 416, Orphanet 93600, MedGen C3150878, MONDO:0013327, OMIM 613616. Disease mechanism: loss of function.

Submission:

Natera, Inc.
Classification: Likely pathogenic for Primary hyperoxaluria type III. Last evaluated: 2024-12-30. Review status: criteria provided, single submitter. Criteria: Natera Variant Classification Schema (03/2026). Collection method: clinical testing. Allele origin: germline.
Comment: The c.468+1G>T variant in HOGA1 is a canonical splice donor site variant predicted to affect pre-mRNA splicing, which may result in an abnormal transcript and altered protein product. This variant is expected to result in nonsense mediated decay, truncation, or a dysfunctional protein product. This variant is rare in the general population with a frequency below the threshold expected for the associated phenotype(s). Given the available evidence, this variant is classified as Likely Pathogenic.